The following is an entry in ClinVar:

NM_017777.4(MKS1):c.449A>T (p.Glu150Val)

Gene: MKS1 (MKS transition zone complex subunit 1; minus strand). Cytogenetic location: 17q22.
Variant type: single nucleotide variant.
Coding change: c.449A>T on transcript NM_017777.4 (MANE Select); coding-DNA position 449, A replaced by T.
Protein change: p.Glu150Val; replaces glutamic acid 150 with valine.
Molecular consequence: missense variant. On other transcripts: intron variant (1).
Genome position (GRCh38, 1-based): chr17:58,214,807, T>A on the plus strand (A>T on the coding strand, the complement: MKS1 is on the minus strand). VCF-style: chr17-58214807-T-A. GRCh37 (hg19) VCF-style: chr17-56292168-T-A.
Other names: c.449A>T, p.Glu150Val (NM_001321269.2, NM_001330397.2, NM_001411113.1); c.-94-420A>T (NM_001321268.2); short protein forms E150V.
Identifiers: ClinVar variation 2119980 (VCV002119980.5), dbSNP rs2509448599, ClinGen allele CA400327240.
Genomic context (GRCh38, chr17:58,214,807, plus strand): 5'-CGCCTGTCCTGCCGGCGACGCCTGACATTTGCCATTCGCTCGACCAAGAATGAAGGCACC[T>A]CGCTGGCTGCAGTGGTCATTCTCTGACAGTGCTGGGAAAAGCAAGCAGCCCTGTGTACGC-3'
Protein context (NP_060247.2, residues 140-160): HCQRMTTAAS[Glu150Val]VPSFLVERMA

ClinVar aggregate classification (germline): Uncertain significance. Review status: criteria provided, multiple submitters, no conflicts (2 of 4 stars). 2 submissions from 2 submitters: Uncertain significance (2). Last evaluated 2024-10-13.

Conditions:
Joubert syndrome. Also called: CEREBELLOPARENCHYMAL DISORDER IV; JOUBERT-BOLTSHAUSER SYNDROME; Familial aplasia of the vermis. Identifiers: Orphanet 475, MedGen C5979921, MONDO:0018772.
Meckel-Gruber syndrome. Also called: DYSENCEPHALIA SPLANCHNOCYSTICA; GRUBER SYNDROME; Dysencephalia splachnocystica. Identifiers: Orphanet 564, MedGen C0265215, MONDO:0018921.
Meckel syndrome, type 1 (MKS1). Also called: MECKEL-GRUBER SYNDROME, TYPE 1. Identifiers: Orphanet 564, MedGen C3714506, MONDO:0009571, OMIM 249000.

Submissions (2):

Genomic Medicine Center of Excellence, King Faisal Specialist Hospital and Research Centre
Classification: Uncertain significance for Meckel syndrome, type 1. Last evaluated: 2024-10-13. Review status: criteria provided, single submitter. Criteria: ACMG Guidelines, 2015. Collection method: clinical testing. Allele origin: germline.
Comment: This variant (GRCh38; NM_017777.4:c.449A>T:p.Glu150Val) results in a missense mutation with the conversion of Glutamate (Acidic amino acid) to Valine (Nonpolar amino acid) in the MKS1 protein. Not observed at significant frequency in large population cohorts (gnomAD). This variant has a strong Conservation score. Multiple lines of computational evidence of this variant support a deleterious effect on the gene or gene product for this variant. To our knowledge this variant not been previously curated or reported in public Database. A literature search was performed for the gene and associated variants. Based on this search no publications were found. Based on conflicting evidence or insufficient data to determine whether the variant is benign or pathogenic, the clinical significance of this alteration remains unclear. In summary, this variant meets our criteria for classification as of Unknown Clinical Significance based on the evidence outlined.

Labcorp Genetics (formerly Invitae), Labcorp
Classification: Uncertain significance for Joubert syndrome; Meckel-Gruber syndrome. Last evaluated: 2022-03-31. Review status: criteria provided, single submitter. Criteria: Invitae Variant Classification Sherloc (09022015). Collection method: clinical testing. Allele origin: germline.
Comment: In summary, the available evidence is currently insufficient to determine the role of this variant in disease. Therefore, it has been classified as a Variant of Uncertain Significance. Algorithms developed to predict the effect of missense changes on protein structure and function are either unavailable or do not agree on the potential impact of this missense change (SIFT: "Tolerated"; PolyPhen-2: "Possibly Damaging"; Align-GVGD: "Class C0"). This variant has not been reported in the literature in individuals affected with MKS1-related conditions. This variant is not present in population databases (gnomAD no frequency). This sequence change replaces glutamic acid, which is acidic and polar, with valine, which is neutral and non-polar, at codon 150 of the MKS1 protein (p.Glu150Val).